The following is an entry in ClinVar:

ClinVar aggregate classification (germline): Likely pathogenic (1 of 4 stars; one submission).

Conditions:
Spondylocostal dysostosis 2, autosomal recessive (SCDO2). Also called: MESP2-Related Spondylocostal Dysostosis, Autosomal Recessive; Spondylocostal dysostosis type 2. Identifiers: Orphanet 2311, MedGen C1837549, MONDO:0012097, OMIM 608681.

Submission:

Natera, Inc.
Classification: Likely pathogenic for Spondylocostal dysostosis type 2. Last evaluated: 2024-07-30. Review status: criteria provided, single submitter. Criteria: Natera Variant Classification Schema (03/2026). Collection method: clinical testing. Allele origin: germline.
Comment: The c.539_543del variant in MESP2 is a frameshift variant predicted to shift the reading frame beginning at codon 180 and leads to a stop codon 185 codons downstream. This variant is expected to result in nonsense mediated decay, truncation, or a dysfunctional protein product. This variant is rare in the general population with a frequency below the threshold expected for the associated phenotype(s). Given the available evidence, this variant is classified as Likely Pathogenic.

NM_001039958.2(MESP2):c.539_543del (p.Gln180fs)

Gene: MESP2 (mesoderm posterior bHLH transcription factor 2; plus strand). Cytogenetic location: 15q26.1.
Variant type: Deletion.
Coding change: c.539_543del on transcript NM_001039958.2 (MANE Select); coding-DNA positions 539 to 543, 5 bases deleted (AGGGG; older notation c.539_543delAGGGG).
Protein change: p.Gln180fs; shifts the reading frame from glutamine 180.
Molecular consequence: frameshift variant.
Genome position (GRCh38, 1-based): chr15:89,776,896-89,776,900, AGGGG deleted. VCF-style (leftmost placement, unchanged base first): chr15-89776895-CAGGGG-C. GRCh37 (hg19) VCF-style: chr15-90320126-CAGGGG-C.
Other names: short protein forms Q180fs.
Identifiers: ClinVar variation 4814568 (VCV004814568.1).